The following is an entry in ClinVar:

NM_003560.4(PLA2G6):c.2369A>G (p.Tyr790Cys)

Gene: PLA2G6 (phospholipase A2 group VI; minus strand). Cytogenetic location: 22q13.1.
Variant type: single nucleotide variant.
Coding change: c.2369A>G on transcript NM_003560.4 (MANE Select); coding-DNA position 2369, A replaced by G.
Protein change: p.Tyr790Cys; replaces tyrosine 790 with cysteine.
Molecular consequence: missense variant.
Genome position (GRCh38, 1-based): chr22:38,112,213, T>C on the plus strand (A>G on the coding strand, the complement: PLA2G6 is on the minus strand). VCF-style: chr22-38112213-T-C. GRCh37 (hg19) VCF-style: chr22-38508220-T-C.
Other names: c.2207A>G, p.Tyr736Cys (NM_001004426.3, NM_001199562.3, NM_001349865.2 and 1 more transcripts); c.2369A>G, p.Tyr790Cys (NM_001349864.2); c.1835A>G, p.Tyr612Cys (NM_001349867.2); c.1691A>G, p.Tyr564Cys (NM_001349868.2); c.1673A>G, p.Tyr558Cys (NM_001349869.2); short protein forms Y558C, Y564C, Y612C, Y736C, Y790C.
Identifiers: ClinVar variation 1389626 (VCV001389626.5), dbSNP rs149605475, ClinGen allele CA10230528.

ClinVar aggregate classification (germline): Uncertain significance (1 of 4 stars; one submission).

Conditions:
Infantile neuroaxonal dystrophy (NBIA2A). Also called: NEURODEGENERATION WITH BRAIN IRON ACCUMULATION 2A; SEITELBERGER DISEASE; Infantile neuroaxonal dystrophy 1. Identifiers: Orphanet 35069, MedGen C0270724, MONDO:0024457, OMIM 256600.

Allele frequency attached by ClinVar (database versions not stated): gnomAD 0.00001 and 0.00002; gnomAD exomes 0.00004; ExAC 0.00008; ESP Exome Variant Server 0.00008; TOPMed 0.00003.
gnomAD v4.1: 44 of 1,610,784 alleles (0.0027%); highest among the groups gnomAD compares: South Asian, 0.015%; no homozygotes.

Submission:

Labcorp Genetics (formerly Invitae), Labcorp
Classification: Uncertain significance for Infantile neuroaxonal dystrophy. Last evaluated: 2024-12-09. Review status: criteria provided, single submitter. Criteria: Invitae Variant Classification Sherloc (09022015). Collection method: clinical testing. Allele origin: germline.
Comment: This sequence change replaces tyrosine, which is neutral and polar, with cysteine, which is neutral and slightly polar, at codon 790 of the PLA2G6 protein (p.Tyr790Cys). This variant is present in population databases (rs149605475, gnomAD 0.02%). This variant has not been reported in the literature in individuals affected with PLA2G6-related conditions. ClinVar contains an entry for this variant (Variation ID: 1389626). Invitae Evidence Modeling of protein sequence and biophysical properties (such as structural, functional, and spatial information, amino acid conservation, physicochemical variation, residue mobility, and thermodynamic stability) indicates that this missense variant is not expected to disrupt PLA2G6 protein function with a negative predictive value of 80%. In summary, the available evidence is currently insufficient to determine the role of this variant in disease. Therefore, it has been classified as a Variant of Uncertain Significance.